The following is an entry in ClinVar:

ClinVar aggregate classification (germline): Uncertain significance (0 of 4 stars; one submission).

Conditions:
Autosomal dominant Parkinson disease 8. Also called: LRRK2-Related Parkinson Disease; Parkinson disease 8; Parkinson disease 8, susceptibility to. Identifiers: Orphanet 411602, MedGen C1846862, MONDO:0011764, OMIM 607060.

Allele frequency attached by ClinVar (database versions not stated): 1000 Genomes Project 30x 0.98251; gnomAD exomes 0.99684; TOPMed 0.98731; ESP Exome Variant Server 0.98747; gnomAD 0.98818; 1000 Genomes Project 0.98383; ExAC 0.99619.

Submission:

GeneReviews
Classification: Uncertain significance for LRRK2-Related Parkinson Disease. Last evaluated: 2012-09-13. Review status: no assertion criteria provided. Collection method: curation. Allele origin: unknown.
ClinVar note: Converted during submission from unknown to Uncertain significance.

NM_198578.4(LRRK2):c.867= (p.Asn289=)

Gene: LRRK2 (leucine rich repeat kinase 2; plus strand). Cytogenetic location: 12q12.
Variant type: single nucleotide variant.
Coding change: c.867= on transcript NM_198578.4 (MANE Select); coding-DNA position 867, no change from the reference sequence.
Protein change: p.Asn289=; no amino-acid change (asparagine 289 retained).
Molecular consequence: no sequence alteration.
Genome position: GRCh38 VCF-style: chr12-40249854-C-C. GRCh37 (hg19) VCF-style: chr12-40643656-C-C.
Identifiers: ClinVar variation 39244 (VCV000039244.4), dbSNP rs17490713.